The following is an entry in ClinVar:

ClinVar aggregate classification (germline): Uncertain significance (1 of 4 stars; one submission).

Allele frequency attached by ClinVar (database versions not stated): gnomAD exomes below 0.00001.
gnomAD v4.1: 1 of 1,613,578 alleles (0.000062%); highest among the groups gnomAD compares: Non-Finnish European, 0.000085%; no homozygotes.

Submission:

Labcorp Genetics (formerly Invitae), Labcorp
Classification: Uncertain significance. Last evaluated: 2022-09-26. Review status: criteria provided, single submitter. Criteria: Invitae Variant Classification Sherloc (09022015). Collection method: clinical testing. Allele origin: germline.
Comment: This sequence change replaces leucine, which is neutral and non-polar, with valine, which is neutral and non-polar, at codon 806 of the TUBGCP6 protein (p.Leu806Val). This variant is not present in population databases (gnomAD no frequency). This variant has not been reported in the literature in individuals affected with TUBGCP6-related conditions. Algorithms developed to predict the effect of missense changes on protein structure and function (SIFT, PolyPhen-2, Align-GVGD) all suggest that this variant is likely to be tolerated. Algorithms developed to predict the effect of sequence changes on RNA splicing suggest that this variant may create or strengthen a splice site. In summary, the available evidence is currently insufficient to determine the role of this variant in disease. Therefore, it has been classified as a Variant of Uncertain Significance.

NM_020461.4(TUBGCP6):c.2416C>G (p.Leu806Val)

Gene: TUBGCP6 (tubulin gamma complex component 6; minus strand). Cytogenetic location: 22q13.33.
Variant type: single nucleotide variant.
Coding change: c.2416C>G on transcript NM_020461.4 (MANE Select); coding-DNA position 2416, C replaced by G.
Protein change: p.Leu806Val; replaces leucine 806 with valine.
Molecular consequence: missense variant.
Genome position (GRCh38, 1-based): chr22:50,222,096, G>C on the plus strand (C>G on the coding strand, the complement: TUBGCP6 is on the minus strand). VCF-style: chr22-50222096-G-C. GRCh37 (hg19) VCF-style: chr22-50660525-G-C.
Other names: short protein forms L806V.
Identifiers: ClinVar variation 1932312 (VCV001932312.5), dbSNP rs2519140413, ClinGen allele CA412098990.